The following is an entry in ClinVar:

NM_004859.4(CLTC):c.2710G>A (p.Val904Ile)

Gene: CLTC (clathrin heavy chain; plus strand). Cytogenetic location: 17q23.1.
Variant type: single nucleotide variant.
Coding change: c.2710G>A on transcript NM_004859.4 (MANE Select); coding-DNA position 2710, G replaced by A.
Protein change: p.Val904Ile; replaces valine 904 with isoleucine.
Molecular consequence: missense variant.
Genome position (GRCh38, 1-based): chr17:59,677,102, G>A. VCF-style: chr17-59677102-G-A. GRCh37 (hg19) VCF-style: chr17-57754463-G-A.
Other names: c.2722G>A, p.Val908Ile (NM_001288653.2); short protein forms V904I, V908I.
Identifiers: ClinVar variation 1960311 (VCV001960311.5), dbSNP rs371208527, ClinGen allele CA8681449.

ClinVar aggregate classification (germline): Uncertain significance (1 of 4 stars; one submission).

Allele frequency attached by ClinVar (database versions not stated): ExAC 0.00002; gnomAD 0.00002; ESP Exome Variant Server 0.00008; TOPMed 0.00002; gnomAD exomes 0.00001.
gnomAD v4.1: 14 of 1,613,964 alleles (0.00087%); highest among the groups gnomAD compares: Non-Finnish European, 0.0011%; no homozygotes.

Submission:

Labcorp Genetics (formerly Invitae), Labcorp
Classification: Uncertain significance. Last evaluated: 2025-11-03. Review status: criteria provided, single submitter. Criteria: Invitae Variant Classification Sherloc (09022015). Collection method: clinical testing. Allele origin: germline.
Comment: This sequence change replaces valine, which is neutral and non-polar, with isoleucine, which is neutral and non-polar, at codon 908 of the CLTC protein (p.Val908Ile). This variant is present in population databases (rs371208527, gnomAD 0.006%). This variant has not been reported in the literature in individuals affected with CLTC-related conditions. ClinVar contains an entry for this variant (Variation ID: 1960311). Invitae Evidence Modeling of protein sequence and biophysical properties (such as structural, functional, and spatial information, amino acid conservation, physicochemical variation, residue mobility, and thermodynamic stability) indicates that this missense variant is not expected to disrupt CLTC protein function with a negative predictive value of 80%. In summary, the available evidence is currently insufficient to determine the role of this variant in disease. Therefore, it has been classified as a Variant of Uncertain Significance.